The following is an entry in ClinVar:

NM_014249.4(NR2E3):c.671C>T (p.Ser224Leu)

Gene: NR2E3 (nuclear receptor subfamily 2 group E member 3; plus strand). Cytogenetic location: 15q23.
Variant type: single nucleotide variant.
Coding change: c.671C>T on transcript NM_014249.4 (MANE Select); coding-DNA position 671, C replaced by T.
Protein change: p.Ser224Leu; replaces serine 224 with leucine.
Molecular consequence: missense variant.
Genome position (GRCh38, 1-based): chr15:71,812,435, C>T. VCF-style: chr15-71812435-C-T. GRCh37 (hg19) VCF-style: chr15-72104775-C-T.
Other names: c.671C>T, p.Ser224Leu (NM_016346.4); short protein forms S224L.
Identifiers: ClinVar variation 859778 (VCV000859778.6), dbSNP rs765642230, ClinGen allele CA7640368.

ClinVar aggregate classification (germline): Uncertain significance. Review status: criteria provided, multiple submitters, no conflicts (2 of 4 stars). 3 submissions from 3 submitters: Uncertain significance (2). 1 of the submissions does not count toward it. Last evaluated 2023-05-04.

Conditions:
Enhanced S-cone syndrome (ESCS). Identifiers: Orphanet 53540, MedGen C1849394, MONDO:0100288, MONDO:0009989.

Allele frequency attached by ClinVar (database versions not stated): gnomAD below 0.00001 and 0.00001; ExAC 0.00001; gnomAD exomes 0.00002 and 0.00003; TOPMed 0.00002.
gnomAD v4.1: 19 of 1,613,848 alleles (0.0012%); highest among the groups gnomAD compares: Admixed American, 0.0033%; no homozygotes.

Submissions (3):

Blueprint Genetics
Classification: Uncertain significance. Last evaluated: 2023-05-04. Review status: criteria provided, single submitter. Criteria: ACMG Guidelines, 2015. Collection method: clinical testing. Allele origin: germline.

Labcorp Genetics (formerly Invitae), Labcorp
Classification: Uncertain significance. Last evaluated: 2022-10-18. Review status: criteria provided, single submitter. Criteria: Invitae Variant Classification Sherloc (09022015). Collection method: clinical testing. Allele origin: germline.
Comment: This sequence change replaces serine, which is neutral and polar, with leucine, which is neutral and non-polar, at codon 224 of the NR2E3 protein (p.Ser224Leu). This variant is present in population databases (rs765642230, gnomAD 0.003%). This variant has not been reported in the literature in individuals affected with NR2E3-related conditions. ClinVar contains an entry for this variant (Variation ID: 859778). Advanced modeling of protein sequence and biophysical properties (such as structural, functional, and spatial information, amino acid conservation, physicochemical variation, residue mobility, and thermodynamic stability) performed at Invitae indicates that this missense variant is not expected to disrupt NR2E3 protein function. In summary, the available evidence is currently insufficient to determine the role of this variant in disease. Therefore, it has been classified as a Variant of Uncertain Significance.

Natera, Inc.
Classification: Uncertain significance for Enhanced S cone syndrome. Last evaluated: 2020-02-13. Review status: no assertion criteria provided. Collection method: clinical testing. Allele origin: germline. Not counted in ClinVar's aggregate classification.